The following is an entry in ClinVar:

NM_004260.4(RECQL4):c.1561del (p.Arg521fs)

Gene: RECQL4 (RecQ like helicase 4; minus strand). Cytogenetic location: 8q24.3.
Variant type: Deletion.
Coding change: c.1561del on transcript NM_004260.4 (MANE Select); coding-DNA position 1561, one base deleted (C; older notation c.1561delC).
Protein change: p.Arg521fs; shifts the reading frame from arginine 521.
Molecular consequence: frameshift variant.
Genome position (GRCh38, 1-based): chr8:144,514,995, G deleted on the plus strand (C on the coding strand, the reverse complement: RECQL4 is on the minus strand); the first of 2 consecutive G bases (chr8:144,514,995-144,514,996); deleting either gives the same sequence. VCF-style (leftmost placement, unchanged base first): chr8-144514994-CG-C. GRCh37 (hg19) VCF-style: chr8-145740378-CG-C.
Other names: short protein forms R521fs.
Identifiers: ClinVar variation 1070092 (VCV001070092.5), dbSNP rs2130703373, ClinGen allele CA2499219188.

ClinVar aggregate classification (germline): Pathogenic (1 of 4 stars; one submission).

Conditions:
Baller-Gerold syndrome (BGS). Also called: CRANIOSYNOSTOSIS WITH RADIAL DEFECTS. Identifiers: Orphanet 1225, MedGen C0265308, MONDO:0009039, OMIM 218600.

Submission:

Labcorp Genetics (formerly Invitae), Labcorp
Classification: Pathogenic for Baller-Gerold syndrome. Last evaluated: 2022-02-17. Review status: criteria provided, single submitter. Criteria: Invitae Variant Classification Sherloc (09022015). Collection method: clinical testing. Allele origin: germline.
Comment: This sequence change creates a premature translational stop signal (p.Arg521Glyfs*37) in the RECQL4 gene. It is expected to result in an absent or disrupted protein product. Loss-of-function variants in RECQL4 are known to be pathogenic (PMID: 12734318, 12952869). This variant is not present in population databases (gnomAD no frequency). This variant has not been reported in the literature in individuals affected with RECQL4-related conditions. ClinVar contains an entry for this variant (Variation ID: 1070092). Algorithms developed to predict the effect of sequence changes on RNA splicing suggest that this variant is not likely to affect RNA splicing. For these reasons, this variant has been classified as Pathogenic.

Literature cited by the submitters: PubMed 12734318; PubMed 12952869.